The following is an entry in ClinVar:

NM_012478.4(WBP2):c.740C>T (p.Pro247Leu)

Gene: WBP2 (WW domain binding protein 2; minus strand). Cytogenetic location: 17q25.1.
Variant type: single nucleotide variant.
Coding change: c.740C>T on transcript NM_012478.4 (MANE Select); coding-DNA position 740, C replaced by T.
Protein change: p.Pro247Leu; replaces proline 247 with leucine.
Molecular consequence: missense variant.
Genome position (GRCh38, 1-based): chr17:75,846,780, G>A on the plus strand (C>T on the coding strand, the complement: WBP2 is on the minus strand). VCF-style: chr17-75846780-G-A. GRCh37 (hg19) VCF-style: chr17-73842861-G-A.
Other names: c.605C>T, p.Pro202Leu (NM_001330499.2); c.740C>T, p.Pro247Leu (NM_001348170.1); short protein forms P202L, P247L.
Identifiers: ClinVar variation 2419473 (VCV002419473.6), dbSNP rs1184355755, ClinGen allele CA401122052.

ClinVar aggregate classification (germline): Uncertain significance (1 of 4 stars; one submission).

Allele frequency attached by ClinVar (database versions not stated): gnomAD 0.00001; gnomAD exomes 0.00001; TOPMed 0.00002.
gnomAD v4.1: 21 of 1,555,344 alleles (0.0014%); highest among the groups gnomAD compares: African/African-American, 0.0041%; no homozygotes.

Submission:

Labcorp Genetics (formerly Invitae), Labcorp
Classification: Uncertain significance. Last evaluated: 2024-10-24. Review status: criteria provided, single submitter. Criteria: Invitae Variant Classification Sherloc (09022015). Collection method: clinical testing. Allele origin: germline.
Comment: This sequence change replaces proline, which is neutral and non-polar, with leucine, which is neutral and non-polar, at codon 247 of the WBP2 protein (p.Pro247Leu). The frequency data for this variant in the population databases is considered unreliable, as metrics indicate poor data quality at this position in the gnomAD database. This variant has not been reported in the literature in individuals affected with WBP2-related conditions. ClinVar contains an entry for this variant (Variation ID: 2419473). An algorithm developed to predict the effect of missense changes on protein structure and function (PolyPhen-2) suggests that this variant is likely to be tolerated. In summary, the available evidence is currently insufficient to determine the role of this variant in disease. Therefore, it has been classified as a Variant of Uncertain Significance.